The following is an entry in ClinVar:

ClinVar aggregate classification (germline): Uncertain significance (1 of 4 stars; one submission).

Conditions:
Hereditary cancer-predisposing syndrome. Also called: Neoplastic Syndromes, Hereditary; Tumor predisposition; Hereditary Cancer Syndrome; Hereditary neoplastic syndrome. Identifiers: Orphanet 140162, MedGen C0027672, MeSH D009386, MONDO:0015356.

gnomAD v4.1: 5 of 1,614,022 alleles (0.00031%); highest among the groups gnomAD compares: Non-Finnish European, 0.00042%; no homozygotes.

Submission:

Ambry Genetics
Classification: Uncertain significance for Hereditary cancer-predisposing syndrome. Last evaluated: 2026-01-19. Review status: criteria provided, single submitter. Criteria: Ambry Variant Classification Scheme 2023. Collection method: clinical testing. Allele origin: germline.
Comment: The p.G534V variant (also known as c.1601G>T), located in coding exon 10 of the KIT gene, results from a G to T substitution at nucleotide position 1601. The glycine at codon 534 is replaced by valine, an amino acid with dissimilar properties. This amino acid position is conserved. In addition, the in silico prediction for this alteration is inconclusive. Based on the available evidence, the clinical significance of this variant remains unclear.

NM_000222.3(KIT):c.1601G>T (p.Gly534Val)

Gene: KIT (KIT proto-oncogene, receptor tyrosine kinase; plus strand). Cytogenetic location: 4q12.
Variant type: single nucleotide variant.
Coding change: c.1601G>T on transcript NM_000222.3 (MANE Select); coding-DNA position 1601, G replaced by T.
Protein change: p.Gly534Val; replaces glycine 534 with valine.
Molecular consequence: missense variant.
Genome position (GRCh38, 1-based): chr4:54,727,278, G>T. VCF-style: chr4-54727278-G-T. GRCh37 (hg19) VCF-style: chr4-55593444-G-T.
Other names: c.1604G>T, p.Gly535Val (NM_001385284.1, NM_001385290.1); c.1601G>T, p.Gly534Val (NM_001385285.1); c.1589G>T, p.Gly530Val (NM_001385286.1, NM_001093772.2); c.1592G>T, p.Gly531Val (NM_001385288.1, NM_001385292.1); short protein forms G534V, G530V, G531V, G535V.
Identifiers: ClinVar variation 4841364 (VCV004841364.1).